The following is an entry in ClinVar:

ClinVar aggregate classification (germline): Uncertain significance (1 of 4 stars; one submission).

Conditions:
Inborn genetic diseases. Identifiers: MedGen C0950123, MeSH D030342.

Allele frequency attached by ClinVar (database versions not stated): gnomAD 0.00001; TOPMed 0.00001; gnomAD exomes 0.00002.
gnomAD v4.1: 17 of 1,613,928 alleles (0.0011%); highest among the groups gnomAD compares: Non-Finnish European, 0.0014%; no homozygotes.

Submission:

Ambry Genetics
Classification: Uncertain significance for Inborn genetic diseases. Last evaluated: 2021-09-11. Review status: criteria provided, single submitter. Criteria: Ambry Variant Classification Scheme 2023. Collection method: clinical testing. Allele origin: germline.
Comment: The p.Q2381E variant (also known as c.7141C>G), located in coding exon 22 of the SETX gene, results from a C to G substitution at nucleotide position 7141. The glutamine at codon 2381 is replaced by glutamic acid, an amino acid with highly similar properties. This amino acid position is conserved. In addition, the in silico prediction for this alteration is inconclusive. Since supporting evidence is limited at this time, the clinical significance of this alteration remains unclear.

NM_015046.7(SETX):c.7141C>G (p.Gln2381Glu)

Gene: SETX (senataxin; minus strand). Cytogenetic location: 9q34.13.
Variant type: single nucleotide variant.
Coding change: c.7141C>G on transcript NM_015046.7 (MANE Select); coding-DNA position 7141, C replaced by G.
Protein change: p.Gln2381Glu; replaces glutamine 2381 with glutamic acid.
Molecular consequence: missense variant.
Genome position (GRCh38, 1-based): chr9:132,271,768, G>C on the plus strand (C>G on the coding strand, the complement: SETX is on the minus strand). VCF-style: chr9-132271768-G-C. GRCh37 (hg19) VCF-style: chr9-135147155-G-C.
Other names: c.7141C>G, p.Gln2381Glu (NM_001351527.2, NM_001351528.2); short protein forms Q2381E.
Identifiers: ClinVar variation 1757355 (VCV001757355.2), dbSNP rs949911947, ClinGen allele CA200795906.